The following is an entry in ClinVar:

NM_058216.3(RAD51C):c.723G>A (p.Val241=)

Gene: RAD51C (RAD51 paralog C; plus strand). Cytogenetic location: 17q22.
Variant type: single nucleotide variant.
Coding change: c.723G>A on transcript NM_058216.3 (MANE Select); coding-DNA position 723, G replaced by A.
Protein change: p.Val241=; no amino-acid change (valine 241 retained).
Molecular consequence: synonymous variant. On other transcripts: non-coding transcript variant (1).
Genome position (GRCh38, 1-based): chr17:58,709,876, G>A. VCF-style: chr17-58709876-G-A. GRCh37 (hg19) VCF-style: chr17-56787237-G-A.
Other names: c.723G>A (NM_058216.1).
Identifiers: ClinVar variation 1116972 (VCV001116972.11), dbSNP rs2143850541, ClinGen allele CA501075527.

ClinVar aggregate classification (germline): Benign/Likely benign. Review status: criteria provided, multiple submitters, no conflicts (2 of 4 stars). 3 submissions from 3 submitters: Benign (1); Likely benign (2). Last evaluated 2025-02-19.

Conditions:
Hereditary cancer-predisposing syndrome. Also called: Neoplastic Syndromes, Hereditary; Hereditary Cancer Syndrome; Hereditary neoplastic syndrome; Tumor predisposition. Identifiers: Orphanet 140162, MedGen C0027672, MeSH D009386, MONDO:0015356.
Fanconi anemia complementation group O. Also called: RAD51C-Related Fanconi Anemia. Identifiers: Orphanet 84, MedGen C3150653, MONDO:0013248, OMIM 613390.
Breast-ovarian cancer, familial, susceptibility to, 3. Also called: RAD51C-Related Breast/Ovarian Cancer. Identifiers: Orphanet 145, MedGen C3150659, MONDO:0013253, OMIM 613399.

Submissions (3):

Myriad Genetics, Inc.
Classification: Benign for Breast-ovarian cancer, familial, susceptibility to, 3. Last evaluated: 2025-02-19. Review status: criteria provided, single submitter. Criteria: Myriad Autosomal Dominant, Autosomal Recessive and X-Linked Classification Criteria (2023). Collection method: clinical testing. Allele origin: unknown.
Comment: This variant is considered benign. This variant is a silent/synonymous amino acid change and it is not expected to impact splicing.

Ambry Genetics
Classification: Likely benign for Hereditary cancer-predisposing syndrome. Last evaluated: 2024-04-28. Review status: criteria provided, single submitter. Criteria: Ambry Variant Classification Scheme 2023. Collection method: clinical testing. Allele origin: germline.

Labcorp Genetics (formerly Invitae), Labcorp
Classification: Likely benign for Fanconi anemia complementation group O. Last evaluated: 2019-11-20. Review status: criteria provided, single submitter. Criteria: Invitae Variant Classification Sherloc (09022015). Collection method: clinical testing. Allele origin: germline.